The following is an entry in ClinVar:

NM_000540.3(RYR1):c.3364G>A (p.Val1122Ile)

Gene: RYR1 (ryanodine receptor 1; plus strand). Cytogenetic location: 19q13.2.
Variant type: single nucleotide variant.
Coding change: c.3364G>A on transcript NM_000540.3 (MANE Select); coding-DNA position 3364, G replaced by A.
Protein change: p.Val1122Ile; replaces valine 1122 with isoleucine.
Molecular consequence: missense variant.
Genome position (GRCh38, 1-based): chr19:38,467,795, G>A. VCF-style: chr19-38467795-G-A. GRCh37 (hg19) VCF-style: chr19-38958435-G-A.
Other names: c.3364G>A, p.Val1122Ile (NM_001042723.2); short protein forms V1122I.
Identifiers: ClinVar variation 4747366 (VCV004747366.1).
Genomic context (GRCh38, chr19:38,467,795, plus strand): 5'-GGCTGGGCGAGGCCCGAGCTGAGGCCTGATGTAGAGCTGGGAGCTGACGAGCTGGCCTAT[G>A]TCTTCAATGGGCACCGCGTGGGTACCTCCCTGGGCACCATTCTGCCAGGTCCTGTGGTCT-3'
Protein context (NP_000531.2, residues 1112-1132): VELGADELAY[Val1122Ile]FNGHRGQRWH

ClinVar aggregate classification (germline): Uncertain significance (1 of 4 stars; one submission).

Conditions:
RYR1-related disorder. Also called: RYR1-related condition; RYR1-related disorders. Identifiers: MedGen CN239331.

gnomAD v4.1: 1 of 1,614,106 alleles (0.000062%); highest among the groups gnomAD compares: Non-Finnish European, 0.000085%; no homozygotes.

Submission:

Labcorp Genetics (formerly Invitae), Labcorp
Classification: Uncertain significance for RYR1-related disorder. Last evaluated: 2025-04-10. Review status: criteria provided, single submitter. Criteria: Invitae Variant Classification Sherloc (09022015). Collection method: clinical testing. Allele origin: germline.
Comment: This sequence change replaces valine, which is neutral and non-polar, with isoleucine, which is neutral and non-polar, at codon 1122 of the RYR1 protein (p.Val1122Ile). This variant is not present in population databases (gnomAD no frequency). This variant has not been reported in the literature in individuals affected with RYR1-related conditions. Invitae Evidence Modeling of protein sequence and biophysical properties (such as structural, functional, and spatial information, amino acid conservation, physicochemical variation, residue mobility, and thermodynamic stability) indicates that this missense variant is not expected to disrupt RYR1 protein function with a negative predictive value of 80%. In summary, the available evidence is currently insufficient to determine the role of this variant in disease. Therefore, it has been classified as a Variant of Uncertain Significance.